The following is an entry in ClinVar:

ClinVar aggregate classification (germline): Uncertain significance (1 of 4 stars; one submission).

Submission:

GeneDx
Classification: Uncertain significance. Last evaluated: 2023-01-17. Review status: criteria provided, single submitter. Criteria: GeneDx Variant Classification Process June 2021. Collection method: clinical testing. Allele origin: germline. Affected: yes.
Comment: Not observed at significant frequency in large population cohorts (gnomAD); In silico analysis supports that this missense variant has a deleterious effect on protein structure/function; Has not been previously published as pathogenic or benign to our knowledge

NM_001163435.3(TBCK):c.1397A>T (p.Asp466Val)

Gene: TBCK (TBC1 domain containing kinase; minus strand). Cytogenetic location: 4q24.
Variant type: single nucleotide variant.
Coding change: c.1397A>T on transcript NM_001163435.3 (MANE Select); coding-DNA position 1397, A replaced by T.
Protein change: p.Asp466Val; replaces aspartic acid 466 with valine.
Molecular consequence: missense variant.
Genome position (GRCh38, 1-based): chr4:106,235,321, T>A on the plus strand (A>T on the coding strand, the complement: TBCK is on the minus strand). VCF-style: chr4-106235321-T-A. GRCh37 (hg19) VCF-style: chr4-107156478-T-A.
Other names: c.1397A>T, p.Asp466Val (NM_001163436.4); c.1280A>T, p.Asp427Val (NM_001163437.3); c.881A>T, p.Asp294Val (NM_001290768.2); c.1208A>T, p.Asp403Val (NM_033115.5); short protein forms D294V, D403V, D427V, D466V.
Identifiers: ClinVar variation 2430641 (VCV002430641.1), dbSNP rs2477857710, ClinGen allele CA357822991.